The following is an entry in ClinVar:

NM_002691.4(POLD1):c.1383+8C>G

Gene: POLD1 (DNA polymerase delta 1, catalytic subunit; plus strand). Cytogenetic location: 19q13.33.
Variant type: single nucleotide variant.
Coding change: c.1383+8C>G on transcript NM_002691.4 (MANE Select); 8 bases into the intron after coding-DNA position 1383, C replaced by G.
Molecular consequence: intron variant.
Genome position (GRCh38, 1-based): chr19:50,406,330, C>G. VCF-style: chr19-50406330-C-G. GRCh37 (hg19) VCF-style: chr19-50909587-C-G.
Other names: c.1383+8C>G (LRG_785t1, LRG_785t2, NM_001256849.1 and 1 more transcripts).
Identifiers: ClinVar variation 537152 (VCV000537152.9), dbSNP rs374719944, ClinGen allele CA658799298.

ClinVar aggregate classification (germline): Likely benign. Review status: criteria provided, multiple submitters, no conflicts (2 of 4 stars). 2 submissions from 2 submitters: Likely benign (2). Last evaluated 2025-02-06.

Conditions:
POLD1-related polyposis and colorectal cancer syndrome (CRCS10). Also called: Colorectal cancer 10; COLORECTAL CANCER, SUSCEPTIBILITY TO, ON CHROMOSOME 19q; Colorectal cancer, susceptibility to, 10. Identifiers: Orphanet 220460, MedGen C2675481, MONDO:0012953, OMIM 612591.

Submissions (2):

Myriad Genetics, Inc.
Classification: Likely benign for POLD1-related polyposis and colorectal cancer syndrome. Last evaluated: 2025-02-06. Review status: criteria provided, single submitter. Criteria: Myriad Autosomal Dominant, Autosomal Recessive and X-Linked Classification Criteria (2023). Collection method: clinical testing. Allele origin: unknown.
Comment: This variant is considered likely benign. This variant is intronic and is not expected to impact mRNA splicing.

Labcorp Genetics (formerly Invitae), Labcorp
Classification: Likely benign for POLD1-related polyposis and colorectal cancer syndrome. Last evaluated: 2024-12-18. Review status: criteria provided, single submitter. Criteria: Invitae Variant Classification Sherloc (09022015). Collection method: clinical testing. Allele origin: germline.